The following is an entry in ClinVar:

NM_000458.4(HNF1B):c.381_382del (p.Tyr128fs)

Gene: HNF1B (HNF1 homeobox B; minus strand). Cytogenetic location: 17q12.
Variant type: Deletion.
Coding change: c.381_382del on transcript NM_000458.4 (MANE Select); coding-DNA positions 381 to 382, 2 bases deleted (TT; older notation c.381_382delTT).
Protein change: p.Tyr128fs; shifts the reading frame from tyrosine 128.
Molecular consequence: frameshift variant.
Genome position (GRCh38, 1-based): chr17:37,739,602-37,739,603, AA deleted on the plus strand (TT on the coding strand, the reverse complement: HNF1B is on the minus strand). VCF-style (leftmost placement, unchanged base first): chr17-37739601-TAA-T. GRCh37 (hg19) VCF-style: chr17-36099592-TAA-T.
Other names: c.381_382del, p.Tyr128fs (NM_001165923.4, NM_001304286.2, NM_001411100.1); c.381_382delTT (NM_000458.4); short protein forms Y128fs.
Identifiers: ClinVar variation 3581917 (VCV003581917.2).

ClinVar aggregate classification (germline): Pathogenic/Likely pathogenic. Review status: criteria provided, multiple submitters, no conflicts (2 of 4 stars). 2 submissions from 2 submitters: Pathogenic (1); Likely pathogenic (1). Last evaluated 2026-05-07.

Conditions:
Maturity-onset diabetes of the young (MODY). Also called: Maturity onset diabetes mellitus in young. Identifiers: Orphanet 552, MedGen C0342276, MONDO:0018911, HP:0004904.
Type 2 diabetes mellitus. Also called: Type II diabetes mellitus. Identifiers: MedGen C0011860, MeSH D003924, MONDO:0005148, OMIM 125853, HP:0005978.
Nonpapillary renal cell carcinoma. Identifiers: Orphanet 422526, MedGen CN074294, MONDO:0007763, OMIM 144700.
Renal cysts and diabetes syndrome (RCAD). Also called: MATURITY-ONSET DIABETES OF THE YOUNG, TYPE 5; Familial hypoplastic, glomerulocystic kidney. Identifiers: Orphanet 93111, MedGen C0431693, MONDO:0007669, OMIM 137920.

Submissions (2):

Women's Health and Genetics/Laboratory Corporation of America, LabCorp
Classification: Pathogenic for Maturity-onset diabetes of the young. Last evaluated: 2026-05-07. Review status: criteria provided, single submitter. Criteria: LabCorp Variant Classification Summary - May 2015. Collection method: clinical testing. Allele origin: germline.
Comment: Variant summary: HNF1B c.381_382delTT (p.Tyr128HisfsX93) results in a premature termination codon, predicted to cause a truncation of the encoded protein or absence of the protein due to nonsense mediated decay, which are commonly known mechanisms for disease. The variant was absent in 250948 control chromosomes. To our knowledge, no occurrence of c.381_382delTT in individuals affected with HNF1B-related conditions and no experimental evidence demonstrating its impact on protein function have been reported. ClinVar contains an entry for this variant (Variation ID: 3581917). Based on the evidence outlined above, the variant was classified as pathogenic.

Fulgent Genetics
Classification: Likely pathogenic for Type 2 diabetes mellitus; Renal cysts and diabetes syndrome; Nonpapillary renal cell carcinoma. Last evaluated: 2024-01-23. Review status: criteria provided, single submitter. Criteria: ACMG Guidelines, 2015. Collection method: clinical testing. Allele origin: germline.